The following is an entry in ClinVar:

ClinVar aggregate classification (germline): Likely pathogenic (1 of 4 stars; one submission).

Conditions:
CPAMD8-related disorder. Also called: CPAMD8-related condition.

Submission:

PreventionGenetics, part of Exact Sciences
Classification: Likely pathogenic for CPAMD8-related condition. Last evaluated: 2023-07-12. Review status: criteria provided, single submitter. Criteria: ACMG Guidelines, 2015. Collection method: clinical testing. Allele origin: germline.
Comment: The CPAMD8 c.4548+2T>G variant is predicted to disrupt the GT donor site and interfere with normal splicing. To our knowledge, this variant has not been reported in the literature or in a large population database, indicating this variant is rare. Variants that disrupt the consensus splice donor site in CPAMD8 are expected to be pathogenic. This variant is interpreted as likely pathogenic.

NM_015692.5(CPAMD8):c.4407+2T>G

Gene: CPAMD8 (C3 and PZP like alpha-2-macroglobulin domain containing 8; minus strand). Cytogenetic location: 19p13.11.
Variant type: single nucleotide variant.
Coding change: c.4407+2T>G on transcript NM_015692.5 (MANE Select); the canonical splice donor site of the intron after coding-DNA position 4407, T replaced by G.
Molecular consequence: splice donor variant.
Genome position (GRCh38, 1-based): chr19:16,903,700, A>C on the plus strand (T>G on the coding strand, the complement: CPAMD8 is on the minus strand). VCF-style: chr19-16903700-A-C. GRCh37 (hg19) VCF-style: chr19-17014510-A-C.
Identifiers: ClinVar variation 2632198 (VCV002632198.1), dbSNP rs2512740601, ClinGen allele CA404639184.